The following is an entry in ClinVar:

NM_133259.4(LRPPRC):c.1677+4A>C

Gene: LRPPRC (leucine rich pentatricopeptide repeat containing; minus strand). Cytogenetic location: 2p21.
Variant type: single nucleotide variant.
Coding change: c.1677+4A>C on transcript NM_133259.4 (MANE Select); 4 bases into the intron after coding-DNA position 1677, A replaced by C.
Molecular consequence: intron variant.
Genome position (GRCh38, 1-based): chr2:43,950,569, T>G on the plus strand (A>C on the coding strand, the complement: LRPPRC is on the minus strand). VCF-style: chr2-43950569-T-G. GRCh37 (hg19) VCF-style: chr2-44177708-T-G.
Identifiers: ClinVar variation 3719155 (VCV003719155.2).

ClinVar aggregate classification (germline): Uncertain significance (1 of 4 stars; one submission).

gnomAD v4.1: 4 of 1,612,798 alleles (0.00025%); highest among the groups gnomAD compares: Non-Finnish European, 0.00034%; no homozygotes.

Submission:

Labcorp Genetics (formerly Invitae), Labcorp
Classification: Uncertain significance. Last evaluated: 2024-07-03. Review status: criteria provided, single submitter. Criteria: Invitae Variant Classification Sherloc (09022015). Collection method: clinical testing. Allele origin: germline.
Comment: This sequence change falls in intron 15 of the LRPPRC gene. It does not directly change the encoded amino acid sequence of the LRPPRC protein. It affects a nucleotide within the consensus splice site. This variant is not present in population databases (gnomAD no frequency). This variant has not been reported in the literature in individuals affected with LRPPRC-related conditions. Variants that disrupt the consensus splice site are a relatively common cause of aberrant splicing (PMID: 17576681, 9536098). Algorithms developed to predict the effect of sequence changes on RNA splicing suggest that this variant may disrupt the consensus splice site. In summary, the available evidence is currently insufficient to determine the role of this variant in disease. Therefore, it has been classified as a Variant of Uncertain Significance.

Literature cited by the submitters: PubMed 17576681; PubMed 9536098.